The following is an entry in ClinVar:

NM_017433.5(MYO3A):c.4294-6T>G

Gene: MYO3A (myosin IIIA; plus strand). Cytogenetic location: 10p12.1.
Variant type: single nucleotide variant.
Coding change: c.4294-6T>G on transcript NM_017433.5 (MANE Select); 6 bases into the intron before coding-DNA position 4294, T replaced by G.
Molecular consequence: intron variant.
Genome position (GRCh38, 1-based): chr10:26,176,695, T>G. VCF-style: chr10-26176695-T-G. GRCh37 (hg19) VCF-style: chr10-26465624-T-G.
Identifiers: ClinVar variation 2695284 (VCV002695284.3), dbSNP rs2493995801, ClinGen allele CA2697558290.

ClinVar aggregate classification (germline): Uncertain significance (1 of 4 stars; one submission).

Submission:

Labcorp Genetics (formerly Invitae), Labcorp
Classification: Uncertain significance. Last evaluated: 2023-11-19. Review status: criteria provided, single submitter. Criteria: Invitae Variant Classification Sherloc (09022015). Collection method: clinical testing. Allele origin: germline.
Comment: This sequence change falls in intron 30 of the MYO3A gene. It does not directly change the encoded amino acid sequence of the MYO3A protein. This variant is not present in population databases (gnomAD no frequency). This variant has not been reported in the literature in individuals affected with MYO3A-related conditions. Algorithms developed to predict the effect of sequence changes on RNA splicing suggest that this variant may disrupt the consensus splice site. In summary, the available evidence is currently insufficient to determine the role of this variant in disease. Therefore, it has been classified as a Variant of Uncertain Significance.